The following is an entry in ClinVar:

NM_144687.4(NLRP12):c.2073-6A>C

Gene: NLRP12 (NLR family pyrin domain containing 12; minus strand). Cytogenetic location: 19q13.42.
Variant type: single nucleotide variant.
Coding change: c.2073-6A>C on transcript NM_144687.4 (MANE Select); 6 bases into the intron before coding-DNA position 2073, A replaced by C.
Molecular consequence: intron variant.
Genome position (GRCh38, 1-based): chr19:53,807,671, T>G on the plus strand (A>C on the coding strand, the complement: NLRP12 is on the minus strand). VCF-style: chr19-53807671-T-G. GRCh37 (hg19) VCF-style: chr19-54310925-T-G.
Other names: c.2073-6A>C (NM_001277129.1); c.2073-3A>C (NM_001277126.2).
Identifiers: ClinVar variation 4984083 (VCV004984083.1).
Genomic context (GRCh38, chr19:53,807,671, plus strand): 5'-CAGGGCCGCTGCCAGATGTTCACTGTAGGCGTCCAGCAGAACGGTCCTCTCTGGTCTGCT[T>G]GAAGGAAAGACAGGCCACTCTCTGGTGTTACTGGTGCTTGACAACTATGGCCTTTGCATG-3'

ClinVar aggregate classification (germline): Likely benign (1 of 4 stars; one submission).

Conditions:
NLRP12-related disorder. Also called: NLRP12-related conditions; NLRP12-related condition.

Submission:

PreventionGenetics, part of Exact Sciences
Classification: Likely benign for NLRP12-related condition. Last evaluated: 2024-10-25. Review status: criteria provided, single submitter. Criteria: ACMG Guidelines, 2015. Collection method: clinical testing. Allele origin: germline.
Comment: This variant is classified as likely benign based on ACMG/AMP sequence variant interpretation guidelines (Richards et al. 2015 PMID: 25741868, with internal and published modifications).